The following is an entry in ClinVar:

ClinVar aggregate classification (germline): Uncertain significance (1 of 4 stars; one submission).

Conditions:
Inborn genetic diseases. Identifiers: MedGen C0950123, MeSH D030342.

Submission:

Ambry Genetics
Classification: Uncertain significance for Inborn genetic diseases. Last evaluated: 2026-03-06. Review status: criteria provided, single submitter. Criteria: Ambry Variant Classification Scheme 2023. Collection method: clinical testing. Allele origin: germline.
Comment: The p.K1615R variant (also known as c.4844A>G), located in coding exon 20 of the FANCM gene, results from an A to G substitution at nucleotide position 4844. The lysine at codon 1615 is replaced by arginine, an amino acid with highly similar properties. This amino acid position is conserved. In addition, this alteration is predicted to be tolerated by in silico analysis. Based on the available evidence, the clinical significance of this variant remains unclear.

NM_020937.4(FANCM):c.4844A>G (p.Lys1615Arg)

Gene: FANCM (FA complementation group M; plus strand). Cytogenetic location: 14q21.2.
Variant type: single nucleotide variant.
Coding change: c.4844A>G on transcript NM_020937.4 (MANE Select); coding-DNA position 4844, A replaced by G.
Protein change: p.Lys1615Arg; replaces lysine 1615 with arginine.
Molecular consequence: missense variant.
Genome position (GRCh38, 1-based): chr14:45,188,866, A>G. VCF-style: chr14-45188866-A-G. GRCh37 (hg19) VCF-style: chr14-45658069-A-G.
Other names: c.4766A>G, p.Lys1589Arg (NM_001308133.2); short protein forms K1589R, K1615R.
Identifiers: ClinVar variation 4826016 (VCV004826016.1).
Genomic context (GRCh38, chr14:45,188,866, plus strand): 5'-CTGAACAAGATGAAACCTATTTAGAGGATAGTTTTTGTGTTGATGAAGAGGAGTCTTGCA[A>G]AGGCCAATCAAGTGAAGAAGAAGTTTGTGTTGATTTTAACTTAATAACTGATGATTGCTT-3'
Protein context (NP_065988.1, residues 1605-1625): SFCVDEEESC[Lys1615Arg]GQSSEEEVCV